The following is an entry in ClinVar:

NM_000548.5(TSC2):c.1946+48C>T

Gene: TSC2 (TSC complex subunit 2; plus strand). Cytogenetic location: 16p13.3.
Variant type: single nucleotide variant.
Coding change: c.1946+48C>T on transcript NM_000548.5 (MANE Select); 48 bases into the intron after coding-DNA position 1946, C replaced by T.
Molecular consequence: intron variant.
Genome position (GRCh38, 1-based): chr16:2,071,664, C>T. VCF-style: chr16-2071664-C-T. GRCh37 (hg19) VCF-style: chr16-2121665-C-T.
Other names: c.602+48C>T (NM_001406693.1, NM_001406689.1, NM_001406690.1 and 6 more transcripts); c.2036+48C>T (NM_001406667.1, NM_001406668.1); c.1346+48C>T (NM_001406680.1, NM_001406683.1, NM_001406687.1 and 6 more transcripts); c.344+48C>T (NM_001406698.1); c.1946+48C>T (NM_001114382.3, NM_001406663.1, NM_001406664.1 and 6 more transcripts); c.1934+48C>T (NM_001406671.1, NM_001406673.1); c.1484+48C>T (NM_001406681.1); c.1835+48C>T (NM_001406670.1, NM_001318827.2, NM_001406678.1); and 3 more.
Identifiers: ClinVar variation 4842414 (VCV004842414.1).
Genomic context (GRCh38, chr16:2,071,664, plus strand): 5'-TCTGCGACTACATGTACGCGGGACCTCGCCCACGGCCCATGAGGCTCAGGGCGTCAGAGG[C>T]GCTGGGGCTGTGGTGGCGCTGTTTGCATGTCTGAGGGATGTCCCAGGGTTGGGAAGAGCC-3'

ClinVar aggregate classification (germline): Uncertain significance (1 of 4 stars; one submission).

Conditions:
Hereditary cancer-predisposing syndrome. Also called: Neoplastic Syndromes, Hereditary; Tumor predisposition; Hereditary Cancer Syndrome; Hereditary neoplastic syndrome. Identifiers: Orphanet 140162, MedGen C0027672, MeSH D009386, MONDO:0015356.

gnomAD v4.1: 13 of 1,609,630 alleles (0.00081%); highest among the groups gnomAD compares: Non-Finnish European, 0.00093%; no homozygotes.

Submission:

Ambry Genetics
Classification: Uncertain significance for Hereditary cancer-predisposing syndrome. Last evaluated: 2026-01-06. Review status: criteria provided, single submitter. Criteria: Ambry Variant Classification Scheme 2023. Collection method: clinical testing. Allele origin: germline.
Comment: The c.1946+48C>T intronic variant results from a C to T substitution 48 nucleotides after coding exon 17 in the TSC2 gene. This nucleotide position is not well conserved on limited sequence alignment. In silico splice site analysis predicts that this alteration will result in the creation or strengthening of a novel splice donor site; however, direct evidence is insufficient at this time (Ambry internal data). Based on the available evidence, the clinical significance of this variant remains unclear.